The following is an entry in ClinVar:

NM_006361.6(HOXB13):c.800_801delinsAA (p.Arg267Gln)

Gene: HOXB13 (homeobox B13; minus strand). Cytogenetic location: 17q21.32.
Variant type: Indel.
Coding change: c.800_801delinsAA on transcript NM_006361.6 (MANE Select); coding-DNA positions 800 to 801, GC replaced by AA.
Protein change: p.Arg267Gln; replaces arginine 267 with glutamine.
Molecular consequence: missense variant.
Genome position (GRCh38, 1-based): chr17:48,726,844-48,726,845, GC replaced by TT on the plus strand (GC replaced by AA on the coding strand, the reverse complement: HOXB13 is on the minus strand). VCF-style: chr17-48726844-GC-TT. GRCh37 (hg19) VCF-style: chr17-46804206-GC-TT.
Other names: short protein forms R267Q.
Identifiers: ClinVar variation 2810482 (VCV002810482.3), dbSNP rs2509512824, ClinGen allele CA2739268209.

ClinVar aggregate classification (germline): Uncertain significance (1 of 4 stars; one submission).

Submission:

Labcorp Genetics (formerly Invitae), Labcorp
Classification: Uncertain significance. Last evaluated: 2022-10-29. Review status: criteria provided, single submitter. Criteria: Invitae Variant Classification Sherloc (09022015). Collection method: clinical testing. Allele origin: germline.
Comment: In summary, the available evidence is currently insufficient to determine the role of this variant in disease. Therefore, it has been classified as a Variant of Uncertain Significance. Algorithms developed to predict the effect of missense changes on protein structure and function are either unavailable or do not agree on the potential impact of this missense change (SIFT: "Not Available"; PolyPhen-2: "Probably Damaging"; Align-GVGD: "Not Available"). This variant has not been reported in the literature in individuals affected with HOXB13-related conditions. Information on the frequency of this variant in the gnomAD database is not available, as this variant may be reported differently in the database. This sequence change replaces arginine, which is basic and polar, with glutamine, which is neutral and polar, at codon 267 of the HOXB13 protein (p.Arg267Gln).